The following is an entry in ClinVar:

ClinVar aggregate classification (germline): Benign/Likely benign. Review status: criteria provided, multiple submitters, no conflicts (2 of 4 stars). 4 submissions from 4 submitters: Benign (1); Likely benign (3). Last evaluated 2026-01-17.

Conditions:
Autosomal dominant Parkinson disease 8. Also called: LRRK2-Related Parkinson Disease; Parkinson disease 8; Parkinson disease 8, susceptibility to. Identifiers: Orphanet 411602, MedGen C1846862, MONDO:0011764, OMIM 607060.
Inborn genetic diseases. Identifiers: MedGen C0950123, MeSH D030342.

Allele frequency attached by ClinVar (database versions not stated): 1000 Genomes Project 30x 0.00016; 1000 Genomes Project 0.00020; gnomAD exomes 0.00024 and 0.00028; gnomAD 0.00026 and 0.00027; TOPMed 0.00026; ExAC 0.00037; ESP Exome Variant Server 0.00054.
gnomAD v4.1: 386 of 1,604,464 alleles (0.024%); highest among the groups gnomAD compares: Middle Eastern, 0.05%; 1 homozygote.

Submissions (4):

Labcorp Genetics (formerly Invitae), Labcorp
Classification: Likely benign for Autosomal dominant Parkinson disease 8. Last evaluated: 2026-01-17. Review status: criteria provided, single submitter. Criteria: Invitae Variant Classification Sherloc (09022015). Collection method: clinical testing. Allele origin: germline.

CeGaT Center for Human Genetics Tuebingen
Classification: Likely benign. Last evaluated: 2025-12-01. Review status: criteria provided, single submitter. Criteria: CeGaT Center For Human Genetics Tuebingen Variant Classification Criteria Version 2. Collection method: clinical testing. Allele origin: germline. Affected: yes. Observed: 4 variant alleles.
Comment: LRRK2: BP4, BP7

Ambry Genetics
Classification: Likely benign for Inborn genetic diseases. Last evaluated: 2022-02-12. Review status: criteria provided, single submitter. Criteria: Ambry Variant Classification Scheme 2023. Collection method: clinical testing. Allele origin: germline.

Illumina Laboratory Services, Illumina
Classification: Benign for Autosomal dominant Parkinson disease 8. Last evaluated: 2017-04-27. Review status: criteria provided, single submitter. Criteria: ICSL Variant Classification Criteria 13 December 2019. Collection method: clinical testing. Allele origin: germline.
Comment: This variant was observed as part of a predisposition screen in an ostensibly healthy population. A literature search was performed for the gene, cDNA change, and amino acid change (where applicable). Publications were found based on this search. The evidence from the literature, in combination with allele frequency data from public databases where available, was sufficient to rule this variant out of causing disease. Therefore, this variant is classified as benign.

Literature cited by the submitters: PubMed 20669299 (cited by Illumina Laboratory Services, Illumina); PubMed 19472409 (cited by Illumina Laboratory Services, Illumina).

NM_198578.4(LRRK2):c.364C>T (p.Leu122=)

Gene: LRRK2 (leucine rich repeat kinase 2; plus strand). Cytogenetic location: 12q12.
Variant type: single nucleotide variant.
Coding change: c.364C>T on transcript NM_198578.4 (MANE Select); coding-DNA position 364, C replaced by T.
Protein change: p.Leu122=; no amino-acid change (leucine 122 retained).
Molecular consequence: synonymous variant.
Genome position (GRCh38, 1-based): chr12:40,235,642, C>T. VCF-style: chr12-40235642-C-T. GRCh37 (hg19) VCF-style: chr12-40629444-C-T.
Identifiers: ClinVar variation 706229 (VCV000706229.52), dbSNP rs41286468, ClinGen allele CA6513073.